The following is an entry in ClinVar:

NM_030979.3(PABPC3):c.1836C>T (p.His612=)

Gene: PABPC3 (poly(A) binding protein cytoplasmic 3; plus strand). Cytogenetic location: 13q12.13.
Variant type: single nucleotide variant.
Coding change: c.1836C>T on transcript NM_030979.3 (MANE Select); coding-DNA position 1836, C replaced by T.
Protein change: p.His612=; no amino-acid change (histidine 612 retained).
Molecular consequence: synonymous variant.
Genome position (GRCh38, 1-based): chr13:25,098,034, C>T. VCF-style: chr13-25098034-C-T. GRCh37 (hg19) VCF-style: chr13-25672172-C-T.
Identifiers: ClinVar variation 2643700 (VCV002643700.24), dbSNP rs1021901005, ClinGen allele CA247085650.

ClinVar aggregate classification (germline): Likely benign (1 of 4 stars; one submission).

Submission:

CeGaT Center for Human Genetics Tuebingen
Classification: Likely benign. Last evaluated: 2023-08-01. Review status: criteria provided, single submitter. Criteria: CeGaT Center For Human Genetics Tuebingen Variant Classification Criteria Version 2. Collection method: clinical testing. Allele origin: germline. Affected: yes. Observed: 1 variant allele.
Comment: PABPC3: BP4, BP7